The following is an entry in ClinVar:

ClinVar aggregate classification (germline): Uncertain significance (1 of 4 stars; one submission).

Allele frequency attached by ClinVar (database versions not stated): gnomAD exomes below 0.00001.

Submission:

GeneDx
Classification: Uncertain significance. Last evaluated: 2019-06-12. Review status: criteria provided, single submitter. Criteria: GeneDx Variant Classification Process June 2021. Collection method: clinical testing. Allele origin: germline. Affected: yes.
Comment: Not observed in large population cohorts (Lek et al., 2016); In silico analysis, which includes protein predictors and evolutionary conservation, supports a deleterious effect; Has not been previously published as pathogenic or benign to our knowledge

NM_000334.4(SCN4A):c.806T>C (p.Leu269Pro)

Gene: SCN4A (sodium voltage-gated channel alpha subunit 4; minus strand). Cytogenetic location: 17q23.3.
Variant type: single nucleotide variant.
Coding change: c.806T>C on transcript NM_000334.4 (MANE Select); coding-DNA position 806, T replaced by C.
Protein change: p.Leu269Pro; replaces leucine 269 with proline.
Molecular consequence: missense variant.
Genome position (GRCh38, 1-based): chr17:63,968,253, A>G on the plus strand (T>C on the coding strand, the complement: SCN4A is on the minus strand). VCF-style: chr17-63968253-A-G. GRCh37 (hg19) VCF-style: chr17-62045613-A-G.
Other names: short protein forms L269P.
Identifiers: ClinVar variation 1306359 (VCV001306359.2), dbSNP rs2144810150, ClinGen allele CA400637665.
Genomic context (GRCh38, chr17:63,968,253, plus strand): 5'-TCGTTGAACGGCGGGGGCCAGCGCACACACTTCTGCCTCAGGTTTCCCATGAAGAGCTGC[A>G]GTCCTACCAGCGCAAAGACGCTCAGGCAGAAGACAGTGAGGATCATCACATCCGACAGCT-3'
Protein context (NP_000325.4, residues 259-279): FCLSVFALVG[Leu269Pro]QLFMGNLRQK